The following is an entry in ClinVar:

NM_006035.4(CDC42BPB):c.4719T>C (p.Leu1573=)

Gene: CDC42BPB (CDC42 binding protein kinase beta; minus strand). Cytogenetic location: 14q32.32.
Variant type: single nucleotide variant.
Coding change: c.4719T>C on transcript NM_006035.4 (MANE Select); coding-DNA position 4719, T replaced by C.
Protein change: p.Leu1573=; no amino-acid change (leucine 1573 retained).
Molecular consequence: synonymous variant.
Genome position (GRCh38, 1-based): chr14:102,939,718, A>G on the plus strand (T>C on the coding strand, the complement: CDC42BPB is on the minus strand). VCF-style: chr14-102939718-A-G. GRCh37 (hg19) VCF-style: chr14-103406055-A-G.
Other names: c.4641T>C, p.Leu1547= (NM_001411054.1).
Identifiers: ClinVar variation 4682019 (VCV004682019.5).
Genomic context (GRCh38, chr14:102,939,718, plus strand): 5'-GGCCACGTGGTTGAAGTTGGTTGGGTTGGATATCATTTTGGATCTCAATTCTGGGTCTCT[A>G]AGCATCTCTCTGGGGAAAGGACACACTTTTGAGATTCATGGATACGTGAGAATCCTCTTG-3'
Protein context (NP_006026.3, residues 1563-1583): EERLQQRREM[Leu1573=]RDPELRSKMI

ClinVar aggregate classification (germline): Likely benign (1 of 4 stars; one submission).

Submission:

CeGaT Center for Human Genetics Tuebingen
Classification: Likely benign. Last evaluated: 2025-12-01. Review status: criteria provided, single submitter. Criteria: CeGaT Center For Human Genetics Tuebingen Variant Classification Criteria Version 2. Collection method: clinical testing. Allele origin: germline. Affected: yes. Observed: 1 variant allele.
Comment: CDC42BPB: PM2:Supporting, BP4, BP7